The following is an entry in ClinVar:

ClinVar aggregate classification (germline): Benign/Likely benign. Review status: criteria provided, multiple submitters, no conflicts (2 of 4 stars). 3 submissions from 3 submitters: Benign (1); Likely benign (2). Last evaluated 2024-12-26.

Conditions:
Hereditary cancer-predisposing syndrome. Also called: Neoplastic Syndromes, Hereditary; Hereditary Cancer Syndrome; Tumor predisposition; Hereditary neoplastic syndrome. Identifiers: Orphanet 140162, MedGen C0027672, MeSH D009386, MONDO:0015356.
Ataxia-telangiectasia syndrome (AT). Also called: LOUIS-BAR SYNDROME; Cerebello-oculocutaneous telangiectasia; Immunodeficiency with ataxia telangiectasia; Ataxia-telangiectasia, complementation group D; AT, COMPLEMENTATION GROUP C; Ataxia-telangiectasia, complementation group E. Identifiers: Orphanet 100, MedGen C0004135, MONDO:0008840, OMIM 208900.
Familial cancer of breast. Also called: Hereditary breast cancer; BREAST CANCER, FAMILIAL; hereditary breast carcinoma. Identifiers: Orphanet 227535, MedGen C0346153, MONDO:0016419, OMIM 114480. Disease mechanism: loss of function.

Allele frequency attached by ClinVar (database versions not stated): gnomAD exomes below 0.00001.
gnomAD v4.1: 1 of 1,614,090 alleles (0.000062%); highest among the groups gnomAD compares: Non-Finnish European, 0.000085%; no homozygotes.

Submissions (3):

Labcorp Genetics (formerly Invitae), Labcorp
Classification: Likely benign for Ataxia-telangiectasia syndrome. Last evaluated: 2024-12-26. Review status: criteria provided, single submitter. Criteria: Invitae Variant Classification Sherloc (09022015). Collection method: clinical testing. Allele origin: germline.

Myriad Genetics, Inc.
Classification: Benign for Familial cancer of breast. Last evaluated: 2024-06-12. Review status: criteria provided, single submitter. Criteria: Myriad Autosomal Dominant, Autosomal Recessive and X-Linked Classification Criteria (2023). Collection method: clinical testing. Allele origin: unknown.
Comment: This variant is considered benign. This variant is a silent/synonymous amino acid change and it is not expected to impact splicing.

Ambry Genetics
Classification: Likely benign for Hereditary cancer-predisposing syndrome. Last evaluated: 2016-07-15. Review status: criteria provided, single submitter. Criteria: Ambry Variant Classification Scheme 2023. Collection method: clinical testing. Allele origin: germline.

NM_000051.4(ATM):c.6954G>A (p.Lys2318=)

Genes: ATM (ATM serine/threonine kinase; plus strand), C11orf65 (chromosome 11 open reading frame 65; minus strand). Cytogenetic location: 11q22.3.
Variant type: single nucleotide variant.
Coding change: c.6954G>A on transcript NM_000051.4 (MANE Select); coding-DNA position 6954, G replaced by A.
Protein change: p.Lys2318=; no amino-acid change (lysine 2318 retained).
Molecular consequence: synonymous variant. On other transcripts: intron variant (2).
Genome position (GRCh38, 1-based): chr11:108,326,204, G>A. VCF-style: chr11-108326204-G-A. GRCh37 (hg19) VCF-style: chr11-108196931-G-A.
Other names: c.6954G>A, p.Lys2318= (NM_001351834.2); c.641-17133C>T (NM_001330368.2); c.*38+9016C>T (NM_001351110.2).
Identifiers: ClinVar variation 482619 (VCV000482619.11), dbSNP rs1555120044, ClinGen allele CA476676399.